The following is an entry in ClinVar:

ClinVar aggregate classification (germline): Uncertain significance (1 of 4 stars; one submission).

Conditions:
Tatton-Brown-Rahman overgrowth syndrome. Also called: Tall stature-intellectual disability-facial dysmorphism syndrome; Tatton-Brown-Rahman syndrome. Identifiers: Orphanet 404443, MedGen C4014545, MONDO:0014382, OMIM 615879.

Submission:

Labcorp Genetics (formerly Invitae), Labcorp
Classification: Uncertain significance for Tatton-Brown-Rahman overgrowth syndrome. Last evaluated: 2022-11-01. Review status: criteria provided, single submitter. Criteria: Invitae Variant Classification Sherloc (09022015). Collection method: clinical testing. Allele origin: germline.
Comment: In summary, the available evidence is currently insufficient to determine the role of this variant in disease. Therefore, it has been classified as a Variant of Uncertain Significance. Algorithms developed to predict the effect of missense changes on protein structure and function output the following: SIFT: "Tolerated"; PolyPhen-2: "Benign"; Align-GVGD: "Class C0". The proline amino acid residue is found in multiple mammalian species, which suggests that this missense change does not adversely affect protein function. This variant has not been reported in the literature in individuals affected with DNMT3A-related conditions. This variant is not present in population databases (gnomAD no frequency). This sequence change replaces leucine, which is neutral and non-polar, with proline, which is neutral and non-polar, at codon 125 of the DNMT3A protein (p.Leu125Pro).

NM_022552.5(DNMT3A):c.374T>C (p.Leu125Pro)

Gene: DNMT3A (DNA methyltransferase 3 alpha; minus strand). Cytogenetic location: 2p23.3.
Variant type: single nucleotide variant.
Coding change: c.374T>C on transcript NM_022552.5 (MANE Select); coding-DNA position 374, T replaced by C.
Protein change: p.Leu125Pro; replaces leucine 125 with proline.
Molecular consequence: missense variant. On other transcripts: non-coding transcript variant (1).
Genome position (GRCh38, 1-based): chr2:25,282,515, A>G on the plus strand (T>C on the coding strand, the complement: DNMT3A is on the minus strand). VCF-style: chr2-25282515-A-G. GRCh37 (hg19) VCF-style: chr2-25505384-A-G.
Other names: c.374T>C, p.Leu125Pro (NM_001320892.2, NM_175629.2, NM_175630.1); short protein forms L125P.
Identifiers: ClinVar variation 1714941 (VCV001714941.6), dbSNP rs2465821062, ClinGen allele CA346083791.